The following is an entry in ClinVar:

NM_052947.4(ALPK2):c.5756C>A (p.Ala1919Asp)

Gene: ALPK2 (alpha kinase 2; minus strand). Cytogenetic location: 18q21.31.
Variant type: single nucleotide variant.
Coding change: c.5756C>A on transcript NM_052947.4 (MANE Select); coding-DNA position 5756, C replaced by A.
Protein change: p.Ala1919Asp; replaces alanine 1919 with aspartic acid.
Molecular consequence: missense variant.
Genome position (GRCh38, 1-based): chr18:58,517,092, G>T on the plus strand (C>A on the coding strand, the complement: ALPK2 is on the minus strand). VCF-style: chr18-58517092-G-T. GRCh37 (hg19) VCF-style: chr18-56184324-G-T.
Other names: short protein forms A1919D.
Identifiers: ClinVar variation 3289753 (VCV003289753.1).

ClinVar aggregate classification (germline): Uncertain significance (1 of 4 stars; one submission).

gnomAD v4.1: 1 of 1,614,222 alleles (0.000062%); highest among the groups gnomAD compares: Non-Finnish European, 0.000085%; no homozygotes.

Submission:

Ambry Genetics
Classification: Uncertain significance. Last evaluated: 2024-03-15. Review status: criteria provided, single submitter. Criteria: Ambry Variant Classification Scheme 2023. Collection method: clinical testing. Allele origin: germline.
Comment: The p.A1919D variant (also known as c.5756C>A), located in coding exon 8 of the ALPK2 gene, results from a C to A substitution at nucleotide position 5756. The alanine at codon 1919 is replaced by aspartic acid, an amino acid with dissimilar properties. This amino acid position is conserved. In addition, this alteration is predicted to be tolerated by in silico analysis. Based on the available evidence, the clinical significance of this alteration remains unclear.